The following is an entry in ClinVar:

ClinVar aggregate classification (germline): Likely pathogenic (1 of 4 stars; one submission).

Conditions:
Inborn genetic diseases. Identifiers: MedGen C0950123, MeSH D030342.

Submission:

Ambry Genetics
Classification: Likely pathogenic for Inborn genetic diseases. Last evaluated: 2025-03-20. Review status: criteria provided, single submitter. Criteria: Ambry Variant Classification Scheme 2023. Collection method: clinical testing. Allele origin: germline.
Comment: The c.2275-2A>G intronic variant results from an A to G substitution two nucleotides before coding exon 4 of the TET3 gene. Alterations that disrupt the canonical splice site are expected to cause aberrant splicing, resulting in an abnormal protein or a transcript that is subject to nonsense-mediated mRNA decay. This variant was not reported in population-based cohorts in the Genome Aggregation Database (gnomAD). This nucleotide position is highly conserved in available vertebrate species. In silico splice site analysis predicts that this alteration will weaken the native splice acceptor site and will result in the creation or strengthening of a novel splice acceptor site. Based on the available evidence, this alteration is classified as likely pathogenic.

NM_001287491.2(TET3):c.2680-2A>G

Gene: TET3 (tet methylcytosine dioxygenase 3; plus strand). Cytogenetic location: 2p13.1.
Variant type: single nucleotide variant.
Coding change: c.2680-2A>G on transcript NM_001287491.2 (MANE Select); the canonical splice acceptor site of the intron before coding-DNA position 2680, A replaced by G.
Molecular consequence: splice acceptor variant.
Genome position (GRCh38, 1-based): chr2:74,087,828, A>G. VCF-style: chr2-74087828-A-G. GRCh37 (hg19) VCF-style: chr2-74314955-A-G.
Other names: c.2401-2A>G (NM_001366022.1); c.2275-2A>G (NM_144993.1).
Identifiers: ClinVar variation 3967724 (VCV003967724.1).